The following is an entry in ClinVar:

NM_000138.5(FBN1):c.*2395G>A

Gene: FBN1 (fibrillin 1; minus strand). Cytogenetic location: 15q21.1.
Variant type: single nucleotide variant.
Coding change: c.*2395G>A on transcript NM_000138.5 (MANE Select); 2395 bases downstream of the stop codon, G replaced by A.
Molecular consequence: 3 prime UTR variant.
Genome position (GRCh38, 1-based): chr15:48,408,595, C>T on the plus strand (G>A on the coding strand, the complement: FBN1 is on the minus strand). VCF-style: chr15-48408595-C-T. GRCh37 (hg19) VCF-style: chr15-48700792-C-T.
Identifiers: ClinVar variation 316306 (VCV000316306.5), dbSNP rs184719603, ClinGen allele CA10636118.
Genomic context (GRCh38, chr15:48,408,595, plus strand): 5'-AGGGGGTAGAGACAAGATATTTTCAAGCTTCTGAGAGATTTACAAAGCCAAGTTCTTCAA[C>T]TATTGAAAGTGAAATTGAAAGGTCACAGACAATTGAAAGGTACAGGTTTAAATCTCAGGA-3'

ClinVar aggregate classification (germline): Conflicting classifications of pathogenicity. Review status: criteria provided, conflicting classifications (1 of 4 stars). 7 submissions from 1 submitter: Uncertain significance (1); Benign (6). Last evaluated 2018-01-13.

Conditions:
Weill-Marchesani syndrome. Also called: WM Syndrome; Mesodermal dysmorphodystrophy congenital. Identifiers: Orphanet 3449, MedGen C0265313, MONDO:0018096.
Stiff skin syndrome (SSKS). Identifiers: Orphanet 2833, MedGen C1861456, MONDO:0008492, OMIM 184900.
Marfan syndrome (MFS). Also called: Marfan syndrome type 1; Marfan's syndrome; MARFAN SYNDROME, TYPE I; Marfan syndrome, classic; FBN1-Related Marfan Syndrome. Identifiers: Orphanet 284963, Orphanet 558, MedGen C0024796, MONDO:0007947, OMIM 154700.
Geleophysic dysplasia. Identifiers: Orphanet 2623, MedGen C3489726, MONDO:0000127.
Familial thoracic aortic aneurysm and aortic dissection (TAAD). Also called: Thoracic aortic aneurysms and dissections. Identifiers: Orphanet 91387, MedGen C4707243, MONDO:0019625.
Acromicric dysplasia (ACMICD). Also called: Acromicric skeletal dysplasia. Identifiers: Orphanet 969, MedGen C0265287, MONDO:0007055, OMIM 102370.
Ectopia lentis 1, isolated, autosomal dominant (ECTOL1). Identifiers: Orphanet 1885, MedGen C3541518, MONDO:0007514, OMIM 129600.

Allele frequency attached by ClinVar (database versions not stated): 1000 Genomes Project 30x 0.00203; TOPMed 0.00029; gnomAD 0.00035; 1000 Genomes Project 0.00200.

Submissions (7):

Illumina Laboratory Services, Illumina
Classification: Benign for Ectopia lentis 1, isolated, autosomal dominant. Last evaluated: 2018-01-13. Review status: criteria provided, single submitter. Criteria: ICSL Variant Classification Criteria 13 December 2019. Collection method: clinical testing. Allele origin: germline.
Comment: This variant was observed in the ICSL laboratory as part of a predisposition screen in an ostensibly healthy population. It had not been previously curated by ICSL or reported in the Human Gene Mutation Database (HGMD: prior to June 1st, 2018), and was therefore a candidate for classification through an automated scoring system. Utilizing variant allele frequency, disease prevalence and penetrance estimates, and inheritance mode, an automated score was calculated to assess if this variant is too frequent to cause the disease. Based on the score and internal cut-off values, a variant classified as benign is not then subjected to further curation. The score for this variant resulted in a classification of benign for this disease.

Illumina Laboratory Services, Illumina
Classification: Benign for Geleophysic dysplasia. Last evaluated: 2018-01-13. Review status: criteria provided, single submitter. Criteria: ICSL Variant Classification Criteria 13 December 2019. Collection method: clinical testing. Allele origin: germline.
Comment: the same text as in the submission from Illumina Laboratory Services, Illumina above.

Illumina Laboratory Services, Illumina
Classification: Benign for Marfan syndrome. Last evaluated: 2018-01-13. Review status: criteria provided, single submitter. Criteria: ICSL Variant Classification Criteria 13 December 2019. Collection method: clinical testing. Allele origin: germline.
Comment: the same text as in the submission from Illumina Laboratory Services, Illumina above.

Illumina Laboratory Services, Illumina
Classification: Benign for Weill-Marchesani syndrome. Last evaluated: 2018-01-13. Review status: criteria provided, single submitter. Criteria: ICSL Variant Classification Criteria 13 December 2019. Collection method: clinical testing. Allele origin: germline.
Comment: the same text as in the submission from Illumina Laboratory Services, Illumina above.

Illumina Laboratory Services, Illumina
Classification: Benign for Stiff skin syndrome. Last evaluated: 2018-01-13. Review status: criteria provided, single submitter. Criteria: ICSL Variant Classification Criteria 13 December 2019. Collection method: clinical testing. Allele origin: germline.
Comment: the same text as in the submission from Illumina Laboratory Services, Illumina above.

Illumina Laboratory Services, Illumina
Classification: Uncertain significance for Familial thoracic aortic aneurysm and aortic dissection. Last evaluated: 2018-01-13. Review status: criteria provided, single submitter. Criteria: ICSL Variant Classification Criteria 13 December 2019. Collection method: clinical testing. Allele origin: germline.

Illumina Laboratory Services, Illumina
Classification: Benign for Acromicric dysplasia. Last evaluated: 2018-01-13. Review status: criteria provided, single submitter. Criteria: ICSL Variant Classification Criteria 13 December 2019. Collection method: clinical testing. Allele origin: germline.
Comment: the same text as in the submission from Illumina Laboratory Services, Illumina above.